The following is an entry in ClinVar:

NM_000090.4(COL3A1):c.2109C>T (p.Pro703=)

Gene: COL3A1 (collagen type III alpha 1 chain; plus strand). Cytogenetic location: 2q32.2.
Variant type: single nucleotide variant.
Coding change: c.2109C>T on transcript NM_000090.4 (MANE Select); coding-DNA position 2109, C replaced by T.
Protein change: p.Pro703=; no amino-acid change (proline 703 retained).
Molecular consequence: synonymous variant.
Genome position (GRCh38, 1-based): chr2:188,999,371, C>T. VCF-style: chr2-188999371-C-T. GRCh37 (hg19) VCF-style: chr2-189864097-C-T.
Identifiers: ClinVar variation 529339 (VCV000529339.20), dbSNP rs746947080, ClinGen allele CA074988.
Genomic context (GRCh38, chr2:188,999,371, plus strand): 5'-TGGACCTCCTGGATTGGCAGGGGCCCCAGGACTTAGAGGTGGAGCTGGTCCCCCTGGTCC[C>T]GAAGGAGGAAAGGTAACTCCACAGCATTCCATTCACCTAGGTTTAAAAAATGCATTTGAT-3'
Protein context (NP_000081.2, residues 693-713): GLRGGAGPPG[Pro703=]EGGKGAAGPP

ClinVar aggregate classification (germline): Likely benign. Review status: criteria provided, multiple submitters, no conflicts (2 of 4 stars). 6 submissions from 6 submitters: Likely benign (6). Last evaluated 2025-07-14.

Conditions:
Familial thoracic aortic aneurysm and aortic dissection (TAAD). Also called: Thoracic aortic aneurysms and dissections. Identifiers: Orphanet 91387, MedGen C4707243, MONDO:0019625.
Ehlers-Danlos syndrome, type 4 (EDSVASC). Also called: Ehlers-Danlos syndrome vascular type; Ehlers Danlos syndrome, ecchymotic type; Ehlers Danlos syndrome, arterial type; Ehlers Danlos syndrome, Sack-Barabas type; Ehlers-Danlos Syndrome Type IV. Identifiers: Orphanet 286, MedGen C0268338, MONDO:0017314, OMIM 130050.

Allele frequency attached by ClinVar (database versions not stated): gnomAD exomes 0.00001 and 0.00003; gnomAD 0.00002; TOPMed 0.00002; ExAC 0.00005.
gnomAD v4.1: 19 of 1,608,302 alleles (0.0012%); highest among the groups gnomAD compares: Admixed American, 0.012%; no homozygotes.

Submissions (6):

Labcorp Genetics (formerly Invitae), Labcorp
Classification: Likely benign for Ehlers-Danlos syndrome, type 4. Last evaluated: 2025-07-14. Review status: criteria provided, single submitter. Criteria: Invitae Variant Classification Sherloc (09022015). Collection method: clinical testing. Allele origin: germline.

All of Us Research Program, National Institutes of Health
Classification: Likely benign for Ehlers-Danlos syndrome, type 4. Last evaluated: 2023-12-13. Review status: criteria provided, single submitter. Criteria: ACMG Guidelines, 2015. Collection method: clinical testing. Allele origin: germline. Inheritance: Autosomal dominant inheritance. Observed: 8 variant alleles, 8 heterozygotes.
Comment: This study involves interpretation of variants in research participants for the purpose of population health screening. Participant phenotype was not available at the time of variant classification. Additional details can be found in publication PMID: 35346344, PMCID: PMC8962531

Ambry Genetics
Classification: Likely benign for Familial thoracic aortic aneurysm and aortic dissection. Last evaluated: 2023-10-08. Review status: criteria provided, single submitter. Criteria: Ambry Variant Classification Scheme 2023. Collection method: clinical testing. Allele origin: germline.

Blueprint Genetics
Classification: Likely benign. Last evaluated: 2023-08-24. Review status: criteria provided, single submitter. Criteria: ACMG Guidelines, 2015. Collection method: clinical testing. Allele origin: germline.

GeneDx
Classification: Likely benign. Last evaluated: 2020-06-08. Review status: criteria provided, single submitter. Criteria: GeneDx Variant Classification Process June 2021. Collection method: clinical testing. Allele origin: germline. Affected: yes.

Color Diagnostics, LLC DBA Color Health
Classification: Likely benign for Familial thoracic aortic aneurysm and aortic dissection. Last evaluated: 2019-01-25. Review status: criteria provided, single submitter. Criteria: ACMG Guidelines, 2015. Collection method: clinical testing. Allele origin: germline.